The following is an entry in ClinVar:

NM_001005287.2(OR2A1):c.40C>T (p.Leu14=)

Genes: OR2A1 (olfactory receptor family 2 subfamily A member 1; plus strand), OR2A1-AS1 (OR2A1 antisense RNA 1; minus strand). Cytogenetic location: 7q35.
Variant type: single nucleotide variant.
Coding change: c.40C>T on transcript NM_001005287.2 (MANE Select); coding-DNA position 40, C replaced by T.
Protein change: p.Leu14=; no amino-acid change (leucine 14 retained).
Molecular consequence: synonymous variant.
Genome position (GRCh38, 1-based): chr7:144,318,164, C>T. VCF-style: chr7-144318164-C-T. GRCh37 (hg19) VCF-style: chr7-144015257-C-T.
Identifiers: ClinVar variation 2658125 (VCV002658125.24), dbSNP rs753888301, ClinGen allele CA4543664.

ClinVar aggregate classification (germline): Likely benign (1 of 4 stars; one submission).

Allele frequency attached by ClinVar (database versions not stated): ExAC 0.00082.

Submission:

CeGaT Center for Human Genetics Tuebingen
Classification: Likely benign. Last evaluated: 2026-09-01. Review status: criteria provided, single submitter. Criteria: CeGaT Center For Human Genetics Tuebingen Variant Classification Criteria Version 2. Collection method: clinical testing. Allele origin: germline. Affected: yes. Observed: 2 variant alleles.
Comment: OR2A1: BP4, BP7